The following is an entry in ClinVar:

NM_003072.5(SMARCA4):c.2274+8A>T

Gene: SMARCA4 (SWI/SNF related BAF chromatin remodeling complex subunit ATPase 4; plus strand). Cytogenetic location: 19p13.2.
Variant type: single nucleotide variant.
Coding change: c.2274+8A>T on transcript NM_003072.5 (MANE Select); 8 bases into the intron after coding-DNA position 2274, A replaced by T.
Molecular consequence: intron variant.
Genome position (GRCh38, 1-based): chr19:11,010,539, A>T. VCF-style: chr19-11010539-A-T. GRCh37 (hg19) VCF-style: chr19-11121215-A-T.
Other names: c.2274+8A>T (NM_001128844.3, NM_001128849.3, NM_001128847.4 and 5 more transcripts).
Identifiers: ClinVar variation 537865 (VCV000537865.16), dbSNP rs773310711, ClinGen allele CA9204042.

ClinVar aggregate classification (germline): Benign/Likely benign. Review status: criteria provided, multiple submitters, no conflicts (2 of 4 stars). 4 submissions from 4 submitters: Benign (1); Likely benign (2). 1 of the submissions does not count toward it. Last evaluated 2026-07-13.

Conditions:
Hereditary cancer-predisposing syndrome. Also called: Tumor predisposition; Neoplastic Syndromes, Hereditary; Hereditary Cancer Syndrome; Hereditary neoplastic syndrome. Identifiers: Orphanet 140162, MedGen C0027672, MeSH D009386, MONDO:0015356.
SMARCA4-related disorder. Also called: SMARCA4-related condition.
Rhabdoid tumor predisposition syndrome 2 (RTPS2). Identifiers: Orphanet 231108, Orphanet 69077, MedGen C2750074, MONDO:0013224, OMIM 613325.

Allele frequency attached by ClinVar (database versions not stated): gnomAD exomes 0.00001 and 0.00004; gnomAD 0.00001; ExAC 0.00002; TOPMed 0.00001.
gnomAD v4.1: 60 of 1,612,928 alleles (0.0037%); highest among the groups gnomAD compares: Non-Finnish European, 0.0051%; no homozygotes.

Submissions (4):

Myriad Genetics, Inc.
Classification: Benign for Rhabdoid tumor predisposition syndrome 2. Last evaluated: 2026-07-13. Review status: criteria provided, single submitter. Criteria: Myriad Autosomal Dominant, Autosomal Recessive and X-Linked Classification Criteria (2023). Collection method: clinical testing. Allele origin: unknown.
Comment: This variant is considered benign. This variant is intronic and is not expected to impact mRNA splicing. This variant has been observed at a population frequency that is significantly greater than expected given the associated disease prevalence and penetrance.

Labcorp Genetics (formerly Invitae), Labcorp
Classification: Likely benign for Rhabdoid tumor predisposition syndrome 2. Last evaluated: 2026-01-25. Review status: criteria provided, single submitter. Criteria: Invitae Variant Classification Sherloc (09022015). Collection method: clinical testing. Allele origin: germline.

Sema4
Classification: Likely benign for Hereditary cancer-predisposing syndrome. Last evaluated: 2020-11-01. Review status: criteria provided, single submitter. Criteria: Sema4 Curation Guidelines. Collection method: curation. Allele origin: germline.

PreventionGenetics, part of Exact Sciences
Classification: Likely benign for SMARCA4-related condition. Last evaluated: 2022-10-18. Review status: no assertion criteria provided. Collection method: clinical testing. Allele origin: germline. Not counted in ClinVar's aggregate classification.
Comment: This variant is classified as likely benign based on ACMG/AMP sequence variant interpretation guidelines (Richards et al. 2015 PMID: 25741868, with internal and published modifications).